The following is an entry in ClinVar:

ClinVar aggregate classification (germline): Uncertain significance (1 of 4 stars; one submission).

Conditions:
Glanzmann thrombasthenia. Also called: Thrombasthenia; BLEEDING DISORDER, PLATELET-TYPE, 2; THROMBASTHENIA OF GLANZMANN AND NAEGELI; PLATELET GLYCOPROTEIN IIb-IIIa DEFICIENCY; Glanzmann's thrombasthenia. Identifiers: Orphanet 849, MedGen C0040015, MONDO:0100326.

Submission:

Labcorp Genetics (formerly Invitae), Labcorp
Classification: Uncertain significance for Glanzmann thrombasthenia. Last evaluated: 2022-09-07. Review status: criteria provided, single submitter. Criteria: Invitae Variant Classification Sherloc (09022015). Collection method: clinical testing. Allele origin: germline.
Comment: This variant is not present in population databases (gnomAD no frequency). This sequence change replaces valine, which is neutral and non-polar, with methionine, which is neutral and non-polar, at codon 324 of the ITGA2B protein (p.Val324Met). In summary, the available evidence is currently insufficient to determine the role of this variant in disease. Therefore, it has been classified as a Variant of Uncertain Significance. This variant has not been reported in the literature in individuals affected with ITGA2B-related conditions. Algorithms developed to predict the effect of missense changes on protein structure and function are either unavailable or do not agree on the potential impact of this missense change (SIFT: "Deleterious"; PolyPhen-2: "Probably Damaging"; Align-GVGD: "Class C0").

NM_000419.5(ITGA2B):c.970G>A (p.Val324Met)

Gene: ITGA2B (integrin subunit alpha 2b; minus strand). Cytogenetic location: 17q21.31.
Variant type: single nucleotide variant.
Coding change: c.970G>A on transcript NM_000419.5 (MANE Select); coding-DNA position 970, G replaced by A.
Protein change: p.Val324Met; replaces valine 324 with methionine.
Molecular consequence: missense variant.
Genome position (GRCh38, 1-based): chr17:44,383,922, C>T on the plus strand (G>A on the coding strand, the complement: ITGA2B is on the minus strand). VCF-style: chr17-44383922-C-T. GRCh37 (hg19) VCF-style: chr17-42461290-C-T.
Other names: short protein forms V324M.
Identifiers: ClinVar variation 1719048 (VCV001719048.6), dbSNP rs2048619752, ClinGen allele CA399804750.